The following is an entry in ClinVar:

ClinVar aggregate classification (germline): Uncertain significance (1 of 4 stars; one submission).

Conditions:
BAP1-related tumor predisposition syndrome (TPDS1). Also called: BAP1 tumor predisposition syndrome; Tumor susceptibility linked to germline BAP1 mutations; COMMON Syndrome; TUMOR PREDISPOSITION SYNDROME 1. Identifiers: Orphanet 289539, MedGen C3280492, MONDO:0013692, OMIM 614327.

Allele frequency attached by ClinVar (database versions not stated): gnomAD exomes below 0.00001.
gnomAD v4.1: 1 of 1,614,116 alleles (0.000062%); highest among the groups gnomAD compares: Non-Finnish European, 0.000085%; no homozygotes.

Submission:

Labcorp Genetics (formerly Invitae), Labcorp
Classification: Uncertain significance for BAP1-related tumor predisposition syndrome. Last evaluated: 2024-02-17. Review status: criteria provided, single submitter. Criteria: Invitae Variant Classification Sherloc (09022015). Collection method: clinical testing. Allele origin: germline.
Comment: This sequence change replaces proline, which is neutral and non-polar, with threonine, which is neutral and polar, at codon 332 of the BAP1 protein (p.Pro332Thr). This variant is not present in population databases (gnomAD no frequency). This variant has not been reported in the literature in individuals affected with BAP1-related conditions. ClinVar contains an entry for this variant (Variation ID: 853388). Advanced modeling of protein sequence and biophysical properties (such as structural, functional, and spatial information, amino acid conservation, physicochemical variation, residue mobility, and thermodynamic stability) performed at Invitae indicates that this missense variant is not expected to disrupt BAP1 protein function with a negative predictive value of 80%. In summary, the available evidence is currently insufficient to determine the role of this variant in disease. Therefore, it has been classified as a Variant of Uncertain Significance.

NM_004656.4(BAP1):c.994C>A (p.Pro332Thr)

Gene: BAP1 (BRCA1 associated deubiquitinase 1; minus strand). Cytogenetic location: 3p21.1.
Variant type: single nucleotide variant.
Coding change: c.994C>A on transcript NM_004656.4 (MANE Select); coding-DNA position 994, C replaced by A.
Protein change: p.Pro332Thr; replaces proline 332 with threonine.
Molecular consequence: missense variant.
Genome position (GRCh38, 1-based): chr3:52,405,232, G>T on the plus strand (C>A on the coding strand, the complement: BAP1 is on the minus strand). VCF-style: chr3-52405232-G-T. GRCh37 (hg19) VCF-style: chr3-52439248-G-T.
Other names: short protein forms P332T.
Identifiers: ClinVar variation 853388 (VCV000853388.7), dbSNP rs1705111579, ClinGen allele CA353106053.
Genomic context (GRCh38, chr3:52,405,232, plus strand): 5'-GAGTGGGGTTGGGGTGAACCCCATTGAGGCTGCTGCCTGGAGGCTTCACCACTAGCTTGG[G>T]TTTGTTGGGAGGGCTGTGGGATGGGGCTTGTGCGCATGAACCAGCCGCCTCCTCTGCACC-3'
Protein context (NP_004647.1, residues 322-342): QAPSHSPPNK[Pro332Thr]KLVVKPPGSS